The following is an entry in ClinVar:

ClinVar aggregate classification (germline): Benign/Likely benign. Review status: criteria provided, multiple submitters, no conflicts (2 of 4 stars). 3 submissions from 3 submitters: Benign (1); Likely benign (2). Last evaluated 2026-06-11.

Conditions:
Inborn genetic diseases. Identifiers: MedGen C0950123, MeSH D030342.
Tumor predisposition syndrome 2 (TPDS2). Also called: MBD4-ASSOCIATED NEOPLASIA SYNDROME; MBD4-Related Tumor Predisposition Syndrome; MBD4-associated neoplasia syndrome (MANS). Identifiers: Orphanet 661526, MedGen C5774186, MONDO:0859267, OMIM 619975.

Allele frequency attached by ClinVar (database versions not stated): gnomAD 0.00001; ExAC 0.00002; gnomAD exomes 0.00002.
gnomAD v4.1: 24 of 1,614,026 alleles (0.0015%); highest among the groups gnomAD compares: Admixed American, 0.0067%; no homozygotes.

Submissions (3):

Myriad Genetics, Inc.
Classification: Benign for Tumor predisposition syndrome 2. Last evaluated: 2026-06-11. Review status: criteria provided, single submitter. Criteria: Myriad Autosomal Dominant, Autosomal Recessive and X-Linked Classification Criteria (2023). Collection method: clinical testing. Allele origin: unknown.
Comment: This variant is considered benign. This variant is a silent/synonymous amino acid change and it is not expected to impact splicing.

Labcorp Genetics (formerly Invitae), Labcorp
Classification: Likely benign. Last evaluated: 2025-08-30. Review status: criteria provided, single submitter. Criteria: Invitae Variant Classification Sherloc (09022015). Collection method: clinical testing. Allele origin: germline.

Ambry Genetics
Classification: Likely benign for Inborn genetic diseases. Last evaluated: 2024-12-19. Review status: criteria provided, single submitter. Criteria: Ambry Variant Classification Scheme 2023. Collection method: clinical testing. Allele origin: germline.

NM_001276270.2(MBD4):c.1461C>T (p.Thr487=)

Gene: MBD4 (methyl-CpG binding domain 4, DNA glycosylase; minus strand). Cytogenetic location: 3q21.3.
Variant type: single nucleotide variant.
Coding change: c.1461C>T on transcript NM_001276270.2 (MANE Select); coding-DNA position 1461, C replaced by T.
Protein change: p.Thr487=; no amino-acid change (threonine 487 retained).
Molecular consequence: synonymous variant.
Genome position (GRCh38, 1-based): chr3:129,433,180, G>A on the plus strand (C>T on the coding strand, the complement: MBD4 is on the minus strand). VCF-style: chr3-129433180-G-A. GRCh37 (hg19) VCF-style: chr3-129152023-G-A.
Other names: c.1479C>T, p.Thr493= (NM_001276271.2, NM_001276272.2, NM_003925.3); c.525C>T, p.Thr175= (NM_001276273.2).
Identifiers: ClinVar variation 2860829 (VCV002860829.5), dbSNP rs748588609, ClinGen allele CA2605287.